The following is an entry in ClinVar:

ClinVar aggregate classification (germline): Uncertain significance (1 of 4 stars; one submission).

Conditions:
Leigh syndrome (NULS). Also called: Leigh's necrotizing encephalopathy; Leigh's disease; Leigh Syndrome (mtDNA deletion); Leigh Disease; Subacute necrotizing encephalopathy; Necrotizing encephalopathy infantile subacute of Leigh. Identifiers: Orphanet 506, MedGen C2931891, MONDO:0009723, OMIM 256000.

Submission:

Wong Mito Lab, Molecular and Human Genetics, Baylor College of Medicine
Classification: Uncertain significance for Leigh syndrome. Last evaluated: 2019-10-17. Review status: criteria provided, single submitter. Criteria: Modified ACMG Guidelines (Unpublished). Collection method: clinical testing. Allele origin: germline.
Comment: The NC_012920.1:m.13369T>C (YP_003024036.1:p.Ser345Pro) variant in MTND5 gene is interpretated to be a Uncertain Significance variant based on the modified ACMG guidelines (unpublished). This variant meets the following evidence codes: PP7

NC_012920.1(MT-ND5):m.13369T>C

Gene: MT-ND5 (mitochondrially encoded NADH dehydrogenase 5; plus strand).
Variant type: single nucleotide variant.
Genome position: chrM-13369-T-C.
Identifiers: ClinVar variation 693547 (VCV000693547.1), dbSNP rs1603224162, ClinGen allele CA414817679.